The following is an entry in ClinVar:

NM_002485.5(NBN):c.1841T>C (p.Ile614Thr)

Gene: NBN (nibrin; minus strand). Cytogenetic location: 8q21.3.
Variant type: single nucleotide variant.
Coding change: c.1841T>C on transcript NM_002485.5 (MANE Select); coding-DNA position 1841, T replaced by C.
Protein change: p.Ile614Thr; replaces isoleucine 614 with threonine.
Molecular consequence: missense variant.
Genome position (GRCh38, 1-based): chr8:89,953,248, A>G on the plus strand (T>C on the coding strand, the complement: NBN is on the minus strand). VCF-style: chr8-89953248-A-G. GRCh37 (hg19) VCF-style: chr8-90965476-A-G.
Other names: c.1595T>C, p.Ile532Thr (NM_001024688.3); short protein forms I532T, I614T.
Identifiers: ClinVar variation 647000 (VCV000647000.13), dbSNP rs1586052647, ClinGen allele CA371654967.

ClinVar aggregate classification (germline): Uncertain significance. Review status: criteria provided, multiple submitters, no conflicts (2 of 4 stars). 2 submissions from 2 submitters: Uncertain significance (2). Last evaluated 2025-01-23.

Conditions:
Hereditary cancer-predisposing syndrome. Also called: Hereditary Cancer Syndrome; Tumor predisposition; Neoplastic Syndromes, Hereditary; Hereditary neoplastic syndrome. Identifiers: Orphanet 140162, MedGen C0027672, MeSH D009386, MONDO:0015356.
Microcephaly, normal intelligence and immunodeficiency (NBS). Also called: BERLIN BREAKAGE SYNDROME; Nijmegen breakage syndrome; Microcephaly with normal intelligence immunodeficiency and lymphoreticular malignancies; Nonsyndromal microcephaly autosomal recessive with normal intelligence; Seemanova syndrome 2; SEEMANOVA SYNDROME II. Identifiers: Orphanet 647, MedGen C0398791, MONDO:0009623, OMIM 251260.

Allele frequency attached by ClinVar (database versions not stated): gnomAD exomes below 0.00001; gnomAD 0.00001.
gnomAD v4.1: 2 of 1,597,306 alleles (0.00013%); highest among the groups gnomAD compares: African/African-American, 0.0013%; no homozygotes.

Submissions (2):

Ambry Genetics
Classification: Uncertain significance for Hereditary cancer-predisposing syndrome. Last evaluated: 2025-01-23. Review status: criteria provided, single submitter. Criteria: Ambry Variant Classification Scheme 2023. Collection method: clinical testing. Allele origin: germline.
Comment: The p.I614T variant (also known as c.1841T>C), located in coding exon 11 of the NBN gene, results from a T to C substitution at nucleotide position 1841. The isoleucine at codon 614 is replaced by threonine, an amino acid with similar properties. This amino acid position is conserved. In addition, this alteration is predicted to be tolerated by in silico analysis. Since supporting evidence is limited at this time, the clinical significance of this alteration remains unclear.

Labcorp Genetics (formerly Invitae), Labcorp
Classification: Uncertain significance for Microcephaly, normal intelligence and immunodeficiency. Last evaluated: 2022-05-04. Review status: criteria provided, single submitter. Criteria: Invitae Variant Classification Sherloc (09022015). Collection method: clinical testing. Allele origin: germline.
Comment: This sequence change replaces isoleucine, which is neutral and non-polar, with threonine, which is neutral and polar, at codon 614 of the NBN protein (p.Ile614Thr). This variant is not present in population databases (gnomAD no frequency). This variant has not been reported in the literature in individuals affected with NBN-related conditions. ClinVar contains an entry for this variant (Variation ID: 647000). Algorithms developed to predict the effect of missense changes on protein structure and function (SIFT, PolyPhen-2, Align-GVGD) all suggest that this variant is likely to be tolerated. In summary, the available evidence is currently insufficient to determine the role of this variant in disease. Therefore, it has been classified as a Variant of Uncertain Significance.